The following is an entry in ClinVar:

ClinVar aggregate classification (germline): Uncertain significance (1 of 4 stars; one submission).

Conditions:
Coffin-Siris syndrome 6. Identifiers: MedGen C4540499, MONDO:0033492, OMIM 617808.

Submission:

New York Genome Center
Classification: Uncertain significance for Coffin-Siris syndrome 6. Last evaluated: 2022-01-07. Review status: criteria provided, single submitter. Criteria: NYGC Assertion Criteria 2020. Collection method: clinical testing. Allele origin: de novo. Observed: 1 heterozygote. Study: CSER-NYCKidSeq.
Comment: The de novo heterozygous c.4568A>G (p.Asp1523Gly) missense variant identified in exon 15 (of 21) of the ARID2 gene has not been reported in affected individuals in the literature. This variant is absent from gnomAD(v3) database suggesting it is not a common benign variant in the populations represented in that database. The variant affects a conserved residue. In silico tools provide conflicting predictions about potential pathogenicity of this variant (CADD score = 31, REVEL score = 0.354). Majority of pathogenic variants in the ARID2 gene reported to-date are predicted loss of functionvariants. In the absence of functional studies, the heterozygous c.4568A>G (p.Asp1523Gly) missense variant identified in the ARID2 gene is reported as a Variant of Uncertain Significance.

NM_152641.4(ARID2):c.4568A>G (p.Asp1523Gly)

Gene: ARID2 (AT-rich interaction domain 2; plus strand). Cytogenetic location: 12q12.
Variant type: single nucleotide variant.
Coding change: c.4568A>G on transcript NM_152641.4 (MANE Select); coding-DNA position 4568, A replaced by G.
Protein change: p.Asp1523Gly; replaces aspartic acid 1523 with glycine.
Molecular consequence: missense variant.
Genome position (GRCh38, 1-based): chr12:45,852,691, A>G. VCF-style: chr12-45852691-A-G. GRCh37 (hg19) VCF-style: chr12-46246474-A-G.
Other names: c.4568A>G, p.Asp1523Gly (NM_001347839.2); short protein forms D1523G.
Identifiers: ClinVar variation 1701711 (VCV001701711.1), dbSNP rs1943577999, ClinGen allele CA384491998.